The following is an entry in ClinVar:

NM_080605.4(B3GALT6):c.168C>A (p.Ala56=)

Gene: B3GALT6 (beta-1,3-galactosyltransferase 6; plus strand). Cytogenetic location: 1p36.33.
Variant type: single nucleotide variant.
Coding change: c.168C>A on transcript NM_080605.4 (MANE Select); coding-DNA position 168, C replaced by A.
Protein change: p.Ala56=; no amino-acid change (alanine 56 retained).
Molecular consequence: synonymous variant.
Genome position (GRCh38, 1-based): chr1:1,232,446, C>A. VCF-style: chr1-1232446-C-A. GRCh37 (hg19) VCF-style: chr1-1167826-C-A.
Identifiers: ClinVar variation 4281142 (VCV004281142.7).

ClinVar aggregate classification (germline): Likely benign (1 of 4 stars; one submission).

gnomAD v4.1: 7 of 999,744 alleles (0.0007%); highest among the groups gnomAD compares: Non-Finnish European, 0.00083%; no homozygotes.

Submission:

CeGaT Center for Human Genetics Tuebingen
Classification: Likely benign. Last evaluated: 2025-09-01. Review status: criteria provided, single submitter. Criteria: CeGaT Center For Human Genetics Tuebingen Variant Classification Criteria Version 2. Collection method: clinical testing. Allele origin: germline. Affected: yes. Observed: 1 variant allele.
Comment: B3GALT6: BP4, BP7